The following is an entry in ClinVar:

NM_001735.3(C5):c.4201C>A (p.Arg1401Ser)

Gene: C5 (complement C5; minus strand). Cytogenetic location: 9q33.2.
Variant type: single nucleotide variant.
Coding change: c.4201C>A on transcript NM_001735.3 (MANE Select); coding-DNA position 4201, C replaced by A.
Protein change: p.Arg1401Ser; replaces arginine 1401 with serine.
Molecular consequence: missense variant.
Genome position (GRCh38, 1-based): chr9:120,969,080, G>T on the plus strand (C>A on the coding strand, the complement: C5 is on the minus strand). VCF-style: chr9-120969080-G-T. GRCh37 (hg19) VCF-style: chr9-123731358-G-T.
Other names: c.4219C>A, p.Arg1407Ser (NM_001317163.2); short protein forms R1401S, R1407S.
Identifiers: ClinVar variation 1717492 (VCV001717492.5), dbSNP rs145968939, ClinGen allele CA374750618.

ClinVar aggregate classification (germline): Uncertain significance (1 of 4 stars; one submission).

Submission:

Labcorp Genetics (formerly Invitae), Labcorp
Classification: Uncertain significance. Last evaluated: 2022-08-21. Review status: criteria provided, single submitter. Criteria: Invitae Variant Classification Sherloc (09022015). Collection method: clinical testing. Allele origin: germline.
Comment: In summary, the available evidence is currently insufficient to determine the role of this variant in disease. Therefore, it has been classified as a Variant of Uncertain Significance. Algorithms developed to predict the effect of missense changes on protein structure and function are either unavailable or do not agree on the potential impact of this missense change (SIFT: "Tolerated"; PolyPhen-2: "Possibly Damaging"; Align-GVGD: "Class C0"). This variant has not been reported in the literature in individuals affected with C5-related conditions. This variant is not present in population databases (gnomAD no frequency). This sequence change replaces arginine, which is basic and polar, with serine, which is neutral and polar, at codon 1401 of the C5 protein (p.Arg1401Ser).